The following is an entry in ClinVar:

ClinVar aggregate classification (germline): Pathogenic. Review status: criteria provided, multiple submitters, no conflicts (2 of 4 stars). 5 submissions from 5 submitters: Pathogenic (5). Last evaluated 2025-02-25.

Conditions:
Autoimmune lymphoproliferative syndrome type 1. Also called: AUTOIMMUNE LYMPHOPROLIFERATIVE SYNDROME, TYPE I, AUTOSOMAL DOMINANT. Identifiers: Orphanet 3261, MedGen C2717884, MONDO:0011158, OMIM 601859.
FAS-related disorder. Also called: FAS-related condition.

Allele frequency attached by ClinVar (database versions not stated): gnomAD exomes below 0.00001.

Submissions (5):

PreventionGenetics, part of Exact Sciences
Classification: Pathogenic for FAS-related condition. Last evaluated: 2025-02-25. Review status: criteria provided, single submitter. Criteria: ACMG Guidelines, 2015. Collection method: clinical testing. Allele origin: germline.
Comment: The FAS c.46_47delGC variant is predicted to result in premature protein termination (p.Ala16*). This variant has been reported in several individuals with autoimmune lymphoproliferative syndrome (Kuehn et al. 2011. PubMed ID: 21490157; Hsu et al. 2011. PubMed ID: 22237435; Table E3, Similuk et al. 2022. PubMed ID: 35753512). This variant has not been reported in a large population database (gnomAD), indicating this variant is rare. This variant has been classified as pathogenic in ClinVar. Nonsense variants in FAS are expected to be pathogenic. This variant is interpreted as pathogenic.

CeGaT Center for Human Genetics Tuebingen
Classification: Pathogenic. Last evaluated: 2024-08-01. Review status: criteria provided, single submitter. Criteria: CeGaT Center For Human Genetics Tuebingen Variant Classification Criteria Version 2. Collection method: clinical testing. Allele origin: germline. Affected: yes. Observed: 5 variant alleles.
Comment: FAS: PVS1, PM2, PS4:Moderate

Labcorp Genetics (formerly Invitae), Labcorp
Classification: Pathogenic for Autoimmune lymphoproliferative syndrome. Last evaluated: 2024-03-01. Review status: criteria provided, single submitter. Criteria: Invitae Variant Classification Sherloc (09022015). Collection method: clinical testing. Allele origin: germline.
Comment: This sequence change creates a premature translational stop signal (p.Ala16*) in the FAS gene. It is expected to result in an absent or disrupted protein product. Loss-of-function variants in FAS are known to be pathogenic (PMID: 10875918, 22237435). This variant is not present in population databases (gnomAD no frequency). This premature translational stop signal has been observed in individual(s) with autoimmune lymphoproliferative syndrome (PMID: 21490157, 22237435). ClinVar contains an entry for this variant (Variation ID: 872242). For these reasons, this variant has been classified as Pathogenic.

Institute for Clinical Genetics, University Hospital TU Dresden, University Hospital TU Dresden
Classification: Pathogenic. Last evaluated: 2023-03-28. Review status: criteria provided, single submitter. Criteria: ACMG Guidelines, 2015. Collection method: clinical testing. Allele origin: germline.

Blueprint Genetics
Classification: Pathogenic for FAS-related disorders. Last evaluated: 2019-10-11. Review status: criteria provided, single submitter. Criteria: ACMG Guidelines, 2015. Collection method: clinical testing. Allele origin: germline. Affected: yes. Observed: 2 variant alleles.

Literature cited by the submitters: PubMed 10875918 (cited by Labcorp Genetics (formerly Invitae), Labcorp); PubMed 22237435 (cited by Labcorp Genetics (formerly Invitae), Labcorp); PubMed 21490157 (cited by Labcorp Genetics (formerly Invitae), Labcorp).

NM_000043.6(FAS):c.46_47del (p.Val15_Ala16insTer)

Gene: FAS (Fas cell surface death receptor; plus strand). Cytogenetic location: 10q23.31.
Variant type: Deletion.
Coding change: c.46_47del on transcript NM_000043.6 (MANE Select); coding-DNA positions 46 to 47, 2 bases deleted (GC; older notation c.46_47delGC).
Protein change: p.Val15_Ala16insTer.
Molecular consequence: nonsense. On other transcripts: non-coding transcript variant (7).
Genome position (GRCh38, 1-based): chr10:89,003,044-89,003,045, GC deleted. VCF-style (leftmost placement, unchanged base first): chr10-89003043-TGC-T. GRCh37 (hg19) VCF-style: chr10-90762800-TGC-T.
Other names: c.46_47del, p.Val15_Ala16insTer (NM_001320619.2, NM_152871.4, NM_152872.4); c.46_47delGC (NM_000043.5).
Identifiers: ClinVar variation 872242 (VCV000872242.48), dbSNP rs1848019699, ClinGen allele CA1139661595.
Genomic context (GRCh38, chr10:89,003,043, plus strand): 5'-TTACTTCAGAAATCAATAAAATTCTCTTCATGCTTTTATTTTACAGGTTCTTACGTCTGT[TGC>T]TAGATTATCGTCCAAAAGTGTTAATGCCCAAGTGACTGACATCAACTCCAAGGGATTGGA-3'